The following is an entry in ClinVar:

NM_018180.3(DHX32):c.455G>T (p.Cys152Phe)

Gene: DHX32 (DEAH-box helicase 32 (putative); minus strand). Cytogenetic location: 10q26.2.
Variant type: single nucleotide variant.
Coding change: c.455G>T on transcript NM_018180.3 (MANE Select); coding-DNA position 455, G replaced by T.
Protein change: p.Cys152Phe; replaces cysteine 152 with phenylalanine.
Molecular consequence: missense variant.
Genome position (GRCh38, 1-based): chr10:125,867,011, C>A on the plus strand (G>T on the coding strand, the complement: DHX32 is on the minus strand). VCF-style: chr10-125867011-C-A. GRCh37 (hg19) VCF-style: chr10-127555580-C-A.
Other names: short protein forms C152F.
Identifiers: ClinVar variation 2059196 (VCV002059196.4), dbSNP rs2494449259, ClinGen allele CA378679751.

ClinVar aggregate classification (germline): Uncertain significance (1 of 4 stars; one submission).

Submission:

Labcorp Genetics (formerly Invitae), Labcorp
Classification: Uncertain significance. Last evaluated: 2025-09-02. Review status: criteria provided, single submitter. Criteria: Invitae Variant Classification Sherloc (09022015). Collection method: clinical testing. Allele origin: germline.
Comment: This sequence change replaces cysteine, which is neutral and slightly polar, with phenylalanine, which is neutral and non-polar, at codon 152 of the DHX32 protein (p.Cys152Phe). This variant is not present in population databases (gnomAD no frequency). This variant has not been reported in the literature in individuals affected with DHX32-related conditions. ClinVar contains an entry for this variant (Variation ID: 2059196). An algorithm developed to predict the effect of missense changes on protein structure and function (PolyPhen-2) suggests that this variant is likely to be disruptive. In summary, the available evidence is currently insufficient to determine the role of this variant in disease. Therefore, it has been classified as a Variant of Uncertain Significance.